The following is an entry in ClinVar:

ClinVar aggregate classification (germline): Uncertain significance. Review status: criteria provided, multiple submitters, no conflicts (2 of 4 stars). 7 submissions from 7 submitters: Uncertain significance (7). Last evaluated 2025-12-19.

Conditions:
Hypertrophic cardiomyopathy 26. Also called: Cardiomyopathy, familial hypertrophic, 26. Identifiers: Orphanet 75249, MedGen C4310749, MONDO:0014883, OMIM 617047.
Myofibrillar myopathy 5. Also called: FILAMINOPATHY, AUTOSOMAL DOMINANT; Filaminopathy (type). Identifiers: Orphanet 171445, MedGen C1836050, MONDO:0012289, OMIM 609524.
Distal myopathy with posterior leg and anterior hand involvement. Also called: WILLIAMS DISTAL MYOPATHY. Identifiers: Orphanet 63273, MedGen C3279722, MONDO:0013550, OMIM 614065.
Cardiovascular phenotype. Identifiers: MedGen CN230736.

Allele frequency attached by ClinVar (database versions not stated): gnomAD exomes below 0.00001 and 0.00001; TOPMed 0.00002.
gnomAD v4.1: 19 of 1,614,086 alleles (0.0012%); highest among the groups gnomAD compares: Middle Eastern, 0.066%; no homozygotes.

Submissions (7):

Labcorp Genetics (formerly Invitae), Labcorp
Classification: Uncertain significance for Distal myopathy with posterior leg and anterior hand involvement; Myofibrillar myopathy 5; Hypertrophic cardiomyopathy 26. Last evaluated: 2025-12-19. Review status: criteria provided, single submitter. Criteria: Invitae Variant Classification Sherloc (09022015). Collection method: clinical testing. Allele origin: germline.
Comment: This sequence change replaces glycine, which is neutral and non-polar, with serine, which is neutral and polar, at codon 698 of the FLNC protein (p.Gly698Ser). This variant is present in population databases (no rsID available, gnomAD 0.0009%). This missense change has been observed in individual(s) with hypertrophic cardiomyopathy (PMID: 37466024). ClinVar contains an entry for this variant (Variation ID: 947037). Invitae Evidence Modeling of protein sequence and biophysical properties (such as structural, functional, and spatial information, amino acid conservation, physicochemical variation, residue mobility, and thermodynamic stability) has been performed for this missense variant. However, the output from this modeling did not meet the statistical confidence thresholds required to predict the impact of this variant on FLNC protein function. In summary, the available evidence is currently insufficient to determine the role of this variant in disease. Therefore, it has been classified as a Variant of Uncertain Significance.

Ambry Genetics
Classification: Uncertain significance for Cardiovascular phenotype. Last evaluated: 2025-11-25. Review status: criteria provided, single submitter. Criteria: Ambry Variant Classification Scheme 2023. Collection method: clinical testing. Allele origin: germline.
Comment: The p.G698S variant (also known as c.2092G>A), located in coding exon 13 of the FLNC gene, results from a G to A substitution at nucleotide position 2092. The glycine at codon 698 is replaced by serine, an amino acid with similar properties. This amino acid position is highly conserved in available vertebrate species. In addition, the in silico prediction for this alteration is inconclusive. Based on the available evidence, the clinical significance of this variant remains unclear.

Molecular Diagnostic Laboratory for Inherited Cardiovascular Disease, Montreal Heart Institute
Classification: Uncertain significance for Cardiovascular phenotype. Last evaluated: 2025-04-09. Review status: criteria provided, single submitter. Criteria: ACMG Guidelines, 2015. Collection method: clinical testing. Allele origin: germline. Affected: yes.
Comment: PM2, PP3

Genomic Medicine Center of Excellence, King Faisal Specialist Hospital and Research Centre
Classification: Uncertain significance for Hypertrophic cardiomyopathy 26. Last evaluated: 2024-12-19. Review status: criteria provided, single submitter. Criteria: ACMG Guidelines, 2015. Collection method: clinical testing. Allele origin: germline.

Clinical Genetics Laboratory, Skane University Hospital Lund
Classification: Uncertain significance. Last evaluated: 2022-05-27. Review status: criteria provided, single submitter. Criteria: ACMG Guidelines, 2015. Collection method: clinical testing. Allele origin: germline. Affected: yes.

Centre of Medical Genetics, University Hospital Muenster
Classification: Uncertain significance. Last evaluated: 2022-05-16. Review status: criteria provided, single submitter. Criteria: ACMG Guidelines, 2015. Collection method: clinical testing. Allele origin: unknown. Affected: yes. Observed: 1 variant allele, 1 heterozygote.
Comment: ACMG categories: PM1,PM2,PP3

Revvity Omics, Revvity
Classification: Uncertain significance. Last evaluated: 2022-02-11. Review status: criteria provided, single submitter. Criteria: ACMG Guidelines, 2015. Collection method: clinical testing. Allele origin: germline.

Literature cited by the submitters: PubMed 37466024 (cited by Labcorp Genetics (formerly Invitae), Labcorp).

NM_001458.5(FLNC):c.2092G>A (p.Gly698Ser)

Gene: FLNC (filamin C; plus strand). Cytogenetic location: 7q32.1.
Variant type: single nucleotide variant.
Coding change: c.2092G>A on transcript NM_001458.5 (MANE Select); coding-DNA position 2092, G replaced by A.
Protein change: p.Gly698Ser; replaces glycine 698 with serine.
Molecular consequence: missense variant.
Genome position (GRCh38, 1-based): chr7:128,841,538, G>A. VCF-style: chr7-128841538-G-A. GRCh37 (hg19) VCF-style: chr7-128481592-G-A.
Other names: c.2092G>A, p.Gly698Ser (NM_001127487.2); short protein forms G698S.
Identifiers: ClinVar variation 947037 (VCV000947037.19), dbSNP rs1461903090, ClinGen allele CA369228132.